The following is an entry in ClinVar:

ClinVar aggregate classification (germline): Conflicting classifications of pathogenicity. Review status: criteria provided, conflicting classifications (1 of 4 stars). 2 submissions from 2 submitters: Likely pathogenic (1); Uncertain significance (1). Last evaluated 2025-07-29.

Conditions:
Monogenic hearing loss.

Submissions (2):

Genetics Laboratory, Great Ormond Street Hospital NHS Foundation Trust, North Thames Genomic Laboratory Hub
Classification: Likely pathogenic for Monogenic hearing loss. Last evaluated: 2025-07-29. Review status: criteria provided, single submitter. Criteria: ACGS Best Practice Guidelines for Variant Classification in Rare Disease 2024 v1.2. Collection method: clinical testing. Allele origin: germline. Affected: yes.
Comment: PS4_supporting, PM2_moderate, PM4_supporting, PP1_supporting, PP4_supporting

Labcorp Genetics (formerly Invitae), Labcorp
Classification: Uncertain significance. Last evaluated: 2022-05-25. Review status: criteria provided, single submitter. Criteria: Invitae Variant Classification Sherloc (09022015). Collection method: clinical testing. Allele origin: germline.
Comment: This variant, c.2038_2040del, results in the deletion of 1 amino acid(s) of the WFS1 protein (p.Glu680del), but otherwise preserves the integrity of the reading frame. This variant is not present in population databases (gnomAD no frequency). In summary, the available evidence is currently insufficient to determine the role of this variant in disease. Therefore, it has been classified as a Variant of Uncertain Significance. Experimental studies and prediction algorithms are not available or were not evaluated, and the functional significance of this variant is currently unknown. This variant is also known as c.2036_2038delAGG. This variant has been observed in individual(s) with autosomal dominant nonsyndromic deafness (PMID: 25388789).

Literature cited by the submitters: PubMed 25388789 (cited by Labcorp Genetics (formerly Invitae), Labcorp).

NM_006005.3(WFS1):c.2038_2040del (p.Glu680del)

Gene: WFS1 (wolframin ER transmembrane glycoprotein; plus strand). Cytogenetic location: 4p16.1.
Variant type: Deletion.
Coding change: c.2038_2040del on transcript NM_006005.3 (MANE Select); coding-DNA positions 2038 to 2040, 3 bases deleted (GAG; older notation c.2038_2040delGAG).
Protein change: p.Glu680del; deletes glutamic acid 680.
Molecular consequence: inframe deletion.
Genome position (GRCh38, 1-based): chr4:6,301,833-6,301,835, GAG deleted; deleting any 3 consecutive bases within chr4:6,301,831-6,301,835 gives the same sequence; the c. name uses the placement nearest the transcript's 3' end. VCF-style (leftmost placement, unchanged base first): chr4-6301830-AAGG-A. GRCh37 (hg19) VCF-style: chr4-6303557-AAGG-A.
Other names: c.2038_2040del, p.Glu680del (NM_001145853.1); short protein forms E680del.
Identifiers: ClinVar variation 1965830 (VCV001965830.6), dbSNP rs1730936877, ClinGen allele CA1435771949.